The following is an entry in ClinVar:

NM_006648.4(WNK2):c.4019C>T (p.Pro1340Leu)

Gene: WNK2 (WNK lysine deficient protein kinase 2; plus strand). Cytogenetic location: 9q22.31.
Variant type: single nucleotide variant.
Coding change: c.4019C>T on transcript NM_006648.4 (MANE Select); coding-DNA position 4019, C replaced by T.
Protein change: p.Pro1340Leu; replaces proline 1340 with leucine.
Molecular consequence: missense variant.
Genome position (GRCh38, 1-based): chr9:93,268,732, C>T. VCF-style: chr9-93268732-C-T. GRCh37 (hg19) VCF-style: chr9-96031014-C-T.
Other names: c.4019C>T, p.Pro1340Leu (NM_001282394.3); short protein forms P1340L.
Identifiers: ClinVar variation 3981861 (VCV003981861.1).

ClinVar aggregate classification (germline): Uncertain significance (1 of 4 stars; one submission).

gnomAD v4.1: 3 of 1,612,758 alleles (0.00019%); highest among the groups gnomAD compares: South Asian, 0.0033%; no homozygotes.

Submission:

Ambry Genetics
Classification: Uncertain significance. Last evaluated: 2025-04-12. Review status: criteria provided, single submitter. Criteria: Ambry Variant Classification Scheme 2023. Collection method: clinical testing. Allele origin: germline.
Comment: The p.P1340L variant (also known as c.4019C>T), located in coding exon 18 of the WNK2 gene, results from a C to T substitution at nucleotide position 4019. The proline at codon 1340 is replaced by leucine, an amino acid with similar properties. This amino acid position is conserved. In addition, this alteration is predicted to be tolerated by in silico analysis. Based on the available evidence, the clinical significance of this variant remains unclear.